The following is an entry in ClinVar:

ClinVar aggregate classification (germline): Uncertain significance (1 of 4 stars; one submission).

Conditions:
Cohen syndrome (COH1). Also called: PEPPER SYNDROME; Cutis verticis gyrata, retinitis pigmentosa, and sensorineural deafness. Identifiers: Orphanet 193, MedGen C0265223, MONDO:0008999, OMIM 216550.

Allele frequency attached by ClinVar (database versions not stated): gnomAD exomes 0.00001; ExAC 0.00002.
gnomAD v4.1: 8 of 1,613,934 alleles (0.0005%); highest among the groups gnomAD compares: South Asian, 0.0044%; no homozygotes.

Submission:

Labcorp Genetics (formerly Invitae), Labcorp
Classification: Uncertain significance for Cohen syndrome. Last evaluated: 2022-07-09. Review status: criteria provided, single submitter. Criteria: Invitae Variant Classification Sherloc (09022015). Collection method: clinical testing. Allele origin: germline.
Comment: This sequence change replaces isoleucine, which is neutral and non-polar, with threonine, which is neutral and polar, at codon 1232 of the VPS13B protein (p.Ile1232Thr). This variant is present in population databases (rs755187653, gnomAD 0.003%). This variant has not been reported in the literature in individuals affected with VPS13B-related conditions. Algorithms developed to predict the effect of missense changes on protein structure and function output the following: SIFT: "Not Available"; PolyPhen-2: "Benign"; Align-GVGD: "Not Available". The threonine amino acid residue is found in multiple mammalian species, which suggests that this missense change does not adversely affect protein function. In summary, the available evidence is currently insufficient to determine the role of this variant in disease. Therefore, it has been classified as a Variant of Uncertain Significance.

NM_152564.5(VPS13B):c.3695T>C (p.Ile1232Thr)

Gene: VPS13B (vacuolar protein sorting 13 homolog B; plus strand). Cytogenetic location: 8q22.2.
Variant type: single nucleotide variant.
Coding change: c.3695T>C on transcript NM_152564.5 (MANE Select); coding-DNA position 3695, T replaced by C.
Protein change: p.Ile1232Thr; replaces isoleucine 1232 with threonine.
Molecular consequence: missense variant.
Genome position (GRCh38, 1-based): chr8:99,481,627, T>C. VCF-style: chr8-99481627-T-C. GRCh37 (hg19) VCF-style: chr8-100493855-T-C.
Other names: c.3695T>C, p.Ile1232Thr (NM_017890.5); short protein forms I1232T.
Identifiers: ClinVar variation 2179521 (VCV002179521.1), dbSNP rs755187653, ClinGen allele CA4823317.